The following is an entry in ClinVar:

ClinVar aggregate classification (germline): Uncertain significance. Review status: criteria provided, multiple submitters, no conflicts (2 of 4 stars). 2 submissions from 2 submitters: Uncertain significance (2). Last evaluated 2025-10-19.

Conditions:
Hereditary cancer-predisposing syndrome. Also called: Hereditary neoplastic syndrome; Tumor predisposition; Hereditary Cancer Syndrome; Neoplastic Syndromes, Hereditary. Identifiers: Orphanet 140162, MedGen C0027672, MeSH D009386, MONDO:0015356.
DICER1-related tumor predisposition. Also called: DICER1 syndrome; DICER1-related pleuropulmonary blastoma cancer predisposition syndrome. Identifiers: Orphanet 284343, MedGen C3839822, MONDO:0100216.

Allele frequency attached by ClinVar (database versions not stated): gnomAD exomes below 0.00001; TOPMed below 0.00001; ExAC 0.00001; ESP Exome Variant Server 0.00008.
gnomAD v4.1: 1 of 1,613,908 alleles (0.000062%); highest among the groups gnomAD compares: Non-Finnish European, 0.000085%; no homozygotes.

Submissions (2):

Ambry Genetics
Classification: Uncertain significance for Hereditary cancer-predisposing syndrome. Last evaluated: 2025-10-19. Review status: criteria provided, single submitter. Criteria: Ambry Variant Classification Scheme 2023. Collection method: clinical testing. Allele origin: germline.
Comment: The p.D417N variant (also known as c.1249G>A), located in coding exon 7 of the DICER1 gene, results from a G to A substitution at nucleotide position 1249. The aspartic acid at codon 417 is replaced by asparagine, an amino acid with highly similar properties. This amino acid position is conserved. In addition, this alteration is predicted to be tolerated by in silico analysis. Based on the available evidence, the clinical significance of this variant remains unclear.

Labcorp Genetics (formerly Invitae), Labcorp
Classification: Uncertain significance for DICER1-related tumor predisposition. Last evaluated: 2018-01-22. Review status: criteria provided, single submitter. Criteria: Invitae Variant Classification Sherloc (09022015). Collection method: clinical testing. Allele origin: germline.
Comment: In summary, the available evidence is currently insufficient to determine the role of this variant in disease. Therefore, it has been classified as a Variant of Uncertain Significance. Algorithms developed to predict the effect of missense changes on protein structure and function do not agree on the potential impact of this missense change (SIFT: "Deleterious"; PolyPhen-2: "Probably Damaging"; Align-GVGD: "Class C0"). This variant has not been reported in the literature in individuals with DICER1-related disease. This variant is present in population databases (rs150714784, ExAC 0.01%). This sequence change replaces aspartic acid with asparagine at codon 417 of the DICER1 protein (p.Asp417Asn). The aspartic acid residue is highly conserved and there is a small physicochemical difference between aspartic acid and asparagine.

NM_177438.3(DICER1):c.1249G>A (p.Asp417Asn)

Gene: DICER1 (dicer 1, ribonuclease III; minus strand). Cytogenetic location: 14q32.13.
Variant type: single nucleotide variant.
Coding change: c.1249G>A on transcript NM_177438.3 (MANE Select); coding-DNA position 1249, G replaced by A.
Protein change: p.Asp417Asn; replaces aspartic acid 417 with asparagine.
Molecular consequence: missense variant.
Genome position (GRCh38, 1-based): chr14:95,124,323, C>T on the plus strand (G>A on the coding strand, the complement: DICER1 is on the minus strand). VCF-style: chr14-95124323-C-T. GRCh37 (hg19) VCF-style: chr14-95590660-C-T.
Other names: c.1249G>A, p.Asp417Asn (NM_001195573.1, NM_001271282.3, NM_001291628.2 and 1 more transcripts); short protein forms D417N.
Identifiers: ClinVar variation 581097 (VCV000581097.11), dbSNP rs150714784, ClinGen allele CA7331512.